The following is an entry in ClinVar:

ClinVar aggregate classification (germline): Uncertain significance (1 of 4 stars; one submission).

Conditions:
Mitochondrial trifunctional protein deficiency. Identifiers: Orphanet 746, MedGen C1969443, MONDO:0012172.

Allele frequency attached by ClinVar (database versions not stated): gnomAD exomes below 0.00001.
gnomAD v4.1: 1 of 1,610,354 alleles (0.000062%); highest among the groups gnomAD compares: Non-Finnish European, 0.000085%; no homozygotes.

Submission:

Labcorp Genetics (formerly Invitae), Labcorp
Classification: Uncertain significance for Mitochondrial trifunctional protein deficiency. Last evaluated: 2024-01-22. Review status: criteria provided, single submitter. Criteria: Invitae Variant Classification Sherloc (09022015). Collection method: clinical testing. Allele origin: germline.
Comment: This sequence change replaces tyrosine, which is neutral and polar, with cysteine, which is neutral and slightly polar, at codon 100 of the HADHB protein (p.Tyr100Cys). This variant is not present in population databases (gnomAD no frequency). This variant has not been reported in the literature in individuals affected with HADHB-related conditions. ClinVar contains an entry for this variant (Variation ID: 2100305). Advanced modeling of protein sequence and biophysical properties (such as structural, functional, and spatial information, amino acid conservation, physicochemical variation, residue mobility, and thermodynamic stability) has been performed at Invitae for this missense variant, however the output from this modeling did not meet the statistical confidence thresholds required to predict the impact of this variant on HADHB protein function. In summary, the available evidence is currently insufficient to determine the role of this variant in disease. Therefore, it has been classified as a Variant of Uncertain Significance.

NM_000183.3(HADHB):c.299A>G (p.Tyr100Cys)

Gene: HADHB (hydroxyacyl-CoA dehydrogenase trifunctional multienzyme complex subunit beta; plus strand). Cytogenetic location: 2p23.3.
Variant type: single nucleotide variant.
Coding change: c.299A>G on transcript NM_000183.3 (MANE Select); coding-DNA position 299, A replaced by G.
Protein change: p.Tyr100Cys; replaces tyrosine 100 with cysteine.
Molecular consequence: missense variant.
Genome position (GRCh38, 1-based): chr2:26,273,695, A>G. VCF-style: chr2-26273695-A-G. GRCh37 (hg19) VCF-style: chr2-26496563-A-G.
Other names: c.254A>G, p.Tyr85Cys (NM_001281512.2); c.233A>G, p.Tyr78Cys (NM_001281513.2); short protein forms Y78C, Y100C, Y85C.
Identifiers: ClinVar variation 2100305 (VCV002100305.4), dbSNP rs2465706657, ClinGen allele CA346091801.
Genomic context (GRCh38, chr2:26,273,695, plus strand): 5'-GGATTTCTACTTCCAGGGGTTTGTTGCATCGGACCAGTGTCCCTAAGGAAGTAGTTGATT[A>G]TATCATCTTTGGTACAGTTATTCAGGAAGTGAAAACAAGCAATGTGGCTAGAGAGGTGAG-3'
Protein context (NP_000174.1, residues 90-110): RTSVPKEVVD[Tyr100Cys]IIFGTVIQEV